The following is an entry in ClinVar:

ClinVar aggregate classification (germline): Uncertain significance (1 of 4 stars; one submission).

Conditions:
Inborn genetic diseases. Identifiers: MedGen C0950123, MeSH D030342.

Submission:

Ambry Genetics
Classification: Uncertain significance for Inborn genetic diseases. Last evaluated: 2023-06-18. Review status: criteria provided, single submitter. Criteria: Ambry Variant Classification Scheme 2023. Collection method: clinical testing. Allele origin: germline.
Comment: The p.V144L variant (also known as c.430G>T), located in coding exon 4 of the ATR gene, results from a G to T substitution at nucleotide position 430. The valine at codon 144 is replaced by leucine, an amino acid with highly similar properties. This amino acid position is conserved. In addition, this alteration is predicted to be tolerated by in silico analysis. Since supporting evidence is limited at this time, the clinical significance of this alteration remains unclear.

NM_001184.4(ATR):c.430G>T (p.Val144Leu)

Gene: ATR (ATR checkpoint kinase; minus strand). Cytogenetic location: 3q23.
Variant type: single nucleotide variant.
Coding change: c.430G>T on transcript NM_001184.4 (MANE Select); coding-DNA position 430, G replaced by T.
Protein change: p.Val144Leu; replaces valine 144 with leucine.
Molecular consequence: missense variant.
Genome position (GRCh38, 1-based): chr3:142,562,972, C>A on the plus strand (G>T on the coding strand, the complement: ATR is on the minus strand). VCF-style: chr3-142562972-C-A. GRCh37 (hg19) VCF-style: chr3-142281814-C-A.
Other names: c.430G>T, p.Val144Leu (NM_001354579.2); short protein forms V144L.
Identifiers: ClinVar variation 2587542 (VCV002587542.2), dbSNP rs1184962047, ClinGen allele CA354827005.